The following is an entry in ClinVar:

ClinVar aggregate classification (germline): Uncertain significance (1 of 4 stars; one submission).

Allele frequency attached by ClinVar (database versions not stated): 1000 Genomes Project 0.00020; gnomAD exomes 0.00001; ExAC 0.00002; 1000 Genomes Project 30x 0.00016.
gnomAD v4.1: 20 of 1,614,204 alleles (0.0012%); highest among the groups gnomAD compares: South Asian, 0.0055%; no homozygotes.

Submission:

Labcorp Genetics (formerly Invitae), Labcorp
Classification: Uncertain significance. Last evaluated: 2025-04-21. Review status: criteria provided, single submitter. Criteria: Invitae Variant Classification Sherloc (09022015). Collection method: clinical testing. Allele origin: germline.
Comment: This sequence change replaces valine, which is neutral and non-polar, with methionine, which is neutral and non-polar, at codon 390 of the CDC45 protein (p.Val390Met). This variant is present in population databases (rs572933667, gnomAD 0.007%). This variant has not been reported in the literature in individuals affected with CDC45-related conditions. ClinVar contains an entry for this variant (Variation ID: 1980473). An algorithm developed to predict the effect of missense changes on protein structure and function outputs the following: PolyPhen-2: "Benign". The methionine amino acid residue is found in multiple mammalian species, which suggests that this missense change does not adversely affect protein function. In summary, the available evidence is currently insufficient to determine the role of this variant in disease. Therefore, it has been classified as a Variant of Uncertain Significance.

NM_003504.5(CDC45):c.1072G>A (p.Val358Met)

Gene: CDC45 (cell division cycle 45; plus strand). Cytogenetic location: 22q11.21.
Variant type: single nucleotide variant.
Coding change: c.1072G>A on transcript NM_003504.5 (MANE Select); coding-DNA position 1072, G replaced by A.
Protein change: p.Val358Met; replaces valine 358 with methionine.
Molecular consequence: missense variant. On other transcripts: non-coding transcript variant (1).
Genome position (GRCh38, 1-based): chr22:19,508,546, G>A. VCF-style: chr22-19508546-G-A. GRCh37 (hg19) VCF-style: chr22-19496069-G-A.
Other names: c.1168G>A, p.Val390Met (NM_001178010.2); c.934G>A, p.Val312Met (NM_001178011.2); c.1036G>A, p.Val346Met (NM_001369291.1); short protein forms V346M, V312M, V390M, V358M.
Identifiers: ClinVar variation 1980473 (VCV001980473.4), dbSNP rs572933667, ClinGen allele CA10101332.
Genomic context (GRCh38, chr22:19,508,546, plus strand): 5'-TGCCCACAATTTGAGGGTGACAGCTGTGTTTGCTCCCATGACAGGATGAAGGACATGCGC[G>A]TGCAGACTTTCAGCATTCATTTTGGGTTCAAGCACAAGTTTCTGGCCAGCGACGTGGTCT-3'
Protein context (NP_003495.1, residues 348-368): ANKFGMKDMR[Val358Met]QTFSIHFGFK